The following is an entry in ClinVar:

NM_001035.3(RYR2):c.682C>T (p.Leu228Phe)

Gene: RYR2 (ryanodine receptor 2; plus strand). Cytogenetic location: 1q43.
Variant type: single nucleotide variant.
Coding change: c.682C>T on transcript NM_001035.3 (MANE Select); coding-DNA position 682, C replaced by T.
Protein change: p.Leu228Phe; replaces leucine 228 with phenylalanine.
Molecular consequence: missense variant.
Genome position (GRCh38, 1-based): chr1:237,388,092, C>T. VCF-style: chr1-237388092-C-T. GRCh37 (hg19) VCF-style: chr1-237551392-C-T.
Other names: short protein forms L228F.
Identifiers: ClinVar variation 1987539 (VCV001987539.6), dbSNP rs1421531475, ClinGen allele CA345378131.

ClinVar aggregate classification (germline): Uncertain significance. Review status: criteria provided, multiple submitters, no conflicts (2 of 4 stars). 2 submissions from 2 submitters: Uncertain significance (2). Last evaluated 2022-10-30.

Conditions:
Cardiomyopathy (CMYO). Also called: Cardiomyopathies. Identifiers: Orphanet 167848, MedGen C0878544, MONDO:0004994, HP:0001638. Inheritance: Various modes of inheritance.
Catecholaminergic polymorphic ventricular tachycardia 1. Also called: VENTRICULAR TACHYCARDIA, CATECHOLAMINERGIC POLYMORPHIC, 1, WITH OR WITHOUT ATRIAL DYSFUNCTION AND/OR DILATED CARDIOMYOPATHY; RYR2-Related Catecholaminergic Polymorphic Ventricular Tachycardia; VENTRICULAR TACHYCARDIA, STRESS-INDUCED POLYMORPHIC 1. Identifiers: Orphanet 3286, MedGen C1631597, MONDO:0011484, OMIM 604772.

Submissions (2):

Labcorp Genetics (formerly Invitae), Labcorp
Classification: Uncertain significance for Catecholaminergic polymorphic ventricular tachycardia 1. Last evaluated: 2022-10-30. Review status: criteria provided, single submitter. Criteria: Invitae Variant Classification Sherloc (09022015). Collection method: clinical testing. Allele origin: germline.
Comment: In summary, the available evidence is currently insufficient to determine the role of this variant in disease. Therefore, it has been classified as a Variant of Uncertain Significance. Advanced modeling of protein sequence and biophysical properties (such as structural, functional, and spatial information, amino acid conservation, physicochemical variation, residue mobility, and thermodynamic stability) has been performed at Invitae for this missense variant, however the output from this modeling did not meet the statistical confidence thresholds required to predict the impact of this variant on RYR2 protein function. This variant has not been reported in the literature in individuals affected with RYR2-related conditions. This variant is not present in population databases (gnomAD no frequency). This sequence change replaces leucine, which is neutral and non-polar, with phenylalanine, which is neutral and non-polar, at codon 228 of the RYR2 protein (p.Leu228Phe).

Color Diagnostics, LLC DBA Color Health
Classification: Uncertain significance for Cardiomyopathy. Last evaluated: 2021-10-11. Review status: criteria provided, single submitter. Criteria: ACMG Guidelines, 2015. Collection method: clinical testing. Allele origin: germline.
Comment: This missense variant replaces leucine with phenylalanine at codon 228 of the RYR2 protein. Computational prediction suggests that this variant may have deleterious impact on protein structure and function (internally defined REVEL score threshold >= 0.7, PMID: 27666373). To our knowledge, functional studies have not been reported for this variant. This variant has not been reported in individuals affected with cardiovascular disorders in the literature. This variant has not been identified in the general population by the Genome Aggregation Database (gnomAD). The available evidence is insufficient to determine the role of this variant in disease conclusively. Therefore, this variant is classified as a Variant of Uncertain Significance.